The following is an entry in ClinVar:

ClinVar aggregate classification (germline): Uncertain significance (1 of 4 stars; one submission).

Allele frequency attached by ClinVar (database versions not stated): gnomAD exomes below 0.00001; TOPMed below 0.00001; gnomAD 0.00001.
gnomAD v4.1: 3 of 1,612,872 alleles (0.00019%); highest among the groups gnomAD compares: African/African-American, 0.0013%; no homozygotes.

Submission:

Labcorp Genetics (formerly Invitae), Labcorp
Classification: Uncertain significance. Last evaluated: 2023-09-27. Review status: criteria provided, single submitter. Criteria: Invitae Variant Classification Sherloc (09022015). Collection method: clinical testing. Allele origin: germline.
Comment: This sequence change replaces asparagine, which is neutral and polar, with serine, which is neutral and polar, at codon 27 of the FGF23 protein (p.Asn27Ser). This variant is not present in population databases (gnomAD no frequency). In summary, the available evidence is currently insufficient to determine the role of this variant in disease. Therefore, it has been classified as a Variant of Uncertain Significance. Advanced modeling of protein sequence and biophysical properties (such as structural, functional, and spatial information, amino acid conservation, physicochemical variation, residue mobility, and thermodynamic stability) has been performed at Invitae for this missense variant, however the output from this modeling did not meet the statistical confidence thresholds required to predict the impact of this variant on FGF23 protein function. This variant has not been reported in the literature in individuals affected with FGF23-related conditions.

NM_020638.3(FGF23):c.80A>G (p.Asn27Ser)

Gene: FGF23 (fibroblast growth factor 23; minus strand). Cytogenetic location: 12p13.32.
Variant type: single nucleotide variant.
Coding change: c.80A>G on transcript NM_020638.3 (MANE Select); coding-DNA position 80, A replaced by G.
Protein change: p.Asn27Ser; replaces asparagine 27 with serine.
Molecular consequence: missense variant.
Genome position (GRCh38, 1-based): chr12:4,379,503, T>C on the plus strand (A>G on the coding strand, the complement: FGF23 is on the minus strand). VCF-style: chr12-4379503-T-C. GRCh37 (hg19) VCF-style: chr12-4488669-T-C.
Other names: short protein forms N27S.
Identifiers: ClinVar variation 2788476 (VCV002788476.3), dbSNP rs1865155014, ClinGen allele CA383418385.